The following is an entry in ClinVar:

ClinVar aggregate classification (germline): Uncertain significance (1 of 4 stars; one submission).

Conditions:
Developmental and epileptic encephalopathy, 9 (DEE9). Also called: EPILEPSY, FEMALE-RESTRICTED, WITH MENTAL RETARDATION; JUBERG-HELLMAN SYNDROME; Early infantile epileptic encephalopathy 9; PCDH19-Related X-Linked Female-Limited Epilepsy with Mental Retardation. Identifiers: Orphanet 101039, Orphanet 2076, MedGen C1848137, MONDO:0010246, OMIM 300088. Disease mechanism: loss of function.

Submission:

Labcorp Genetics (formerly Invitae), Labcorp
Classification: Uncertain significance for Developmental and epileptic encephalopathy, 9. Last evaluated: 2022-08-10. Review status: criteria provided, single submitter. Criteria: Invitae Variant Classification Sherloc (09022015). Collection method: clinical testing. Allele origin: germline.
Comment: In summary, the available evidence is currently insufficient to determine the role of this variant in disease. Therefore, it has been classified as a Variant of Uncertain Significance. Advanced modeling of protein sequence and biophysical properties (such as structural, functional, and spatial information, amino acid conservation, physicochemical variation, residue mobility, and thermodynamic stability) performed at Invitae indicates that this missense variant is expected to disrupt PCDH19 protein function. ClinVar contains an entry for this variant (Variation ID: 1450724). This variant has not been reported in the literature in individuals affected with PCDH19-related conditions. This variant is not present in population databases (gnomAD no frequency). This sequence change replaces glycine, which is neutral and non-polar, with aspartic acid, which is acidic and polar, at codon 513 of the PCDH19 protein (p.Gly513Asp).

NM_001184880.2(PCDH19):c.1538G>A (p.Gly513Asp)

Gene: PCDH19 (protocadherin 19; minus strand). Cytogenetic location: Xq22.1.
Variant type: single nucleotide variant.
Coding change: c.1538G>A on transcript NM_001184880.2 (MANE Select); coding-DNA position 1538, G replaced by A.
Protein change: p.Gly513Asp; replaces glycine 513 with aspartic acid.
Molecular consequence: missense variant.
Genome position (GRCh38, 1-based): chrX:100,407,060, C>T on the plus strand (G>A on the coding strand, the complement: PCDH19 is on the minus strand). VCF-style: chrX-100407060-C-T. GRCh37 (hg19) VCF-style: chrX-99662058-C-T.
Other names: c.1538G>A, p.Gly513Asp (NM_001105243.2, NM_020766.3); short protein forms G513D.
Identifiers: ClinVar variation 1450724 (VCV001450724.8), dbSNP rs1928380918, ClinGen allele CA414002509.